The following is an entry in ClinVar:

NM_002979.5(SCP2):c.1224G>A (p.Pro408=)

Gene: SCP2 (sterol carrier protein 2; plus strand). Cytogenetic location: 1p32.3.
Variant type: single nucleotide variant.
Coding change: c.1224G>A on transcript NM_002979.5 (MANE Select); coding-DNA position 1224, G replaced by A.
Protein change: p.Pro408=; no amino-acid change (proline 408 retained).
Molecular consequence: synonymous variant.
Genome position (GRCh38, 1-based): chr1:53,015,032, G>A. VCF-style: chr1-53015032-G-A. GRCh37 (hg19) VCF-style: chr1-53480704-G-A.
Other names: c.12G>A, p.Pro4= (NM_001007099.3, NM_001007100.3, NM_001007250.3); c.1152G>A, p.Pro384= (NM_001193599.2); c.1092G>A, p.Pro364= (NM_001193600.2); c.981G>A, p.Pro327= (NM_001193617.2).
Identifiers: ClinVar variation 559027 (VCV000559027.22), dbSNP rs80253221, ClinGen allele CA857355.

ClinVar aggregate classification (germline): Benign/Likely benign. Review status: criteria provided, multiple submitters, no conflicts (2 of 4 stars). 5 submissions from 5 submitters: Benign (1); Likely benign (2). 2 of the submissions do not count toward it. Last evaluated 2026-02-02.

Conditions:
SCP2-related disorder. Also called: SCP2-related condition.

Allele frequency attached by ClinVar (database versions not stated): gnomAD exomes 0.00159; ExAC 0.00188; 1000 Genomes Project 30x 0.00609; gnomAD 0.00630 and 0.00680; 1000 Genomes Project 0.00639; TOPMed 0.00711; ESP Exome Variant Server 0.00761.
gnomAD v4.1: 1,987 of 1,614,078 alleles (0.12%); highest among the groups gnomAD compares: African/African-American, 2.4%; 27 homozygotes.

Submissions (5):

Labcorp Genetics (formerly Invitae), Labcorp
Classification: Benign. Last evaluated: 2026-02-02. Review status: criteria provided, single submitter. Criteria: Invitae Variant Classification Sherloc (09022015). Collection method: clinical testing. Allele origin: germline.

GeneDx
Classification: Likely benign. Last evaluated: 2021-05-06. Review status: criteria provided, single submitter. Criteria: GeneDx Variant Classification Process June 2021. Collection method: clinical testing. Allele origin: germline. Affected: yes.

Breakthrough Genomics
Classification: Likely benign. Review status: criteria provided, single submitter. Criteria: ACMG Guidelines, 2015. Collection method: not provided. Allele origin: germline. Inheritance: Autosomal recessive inheritance. Affected: yes.

PreventionGenetics, part of Exact Sciences
Classification: Benign for SCP2-related condition. Last evaluated: 2019-04-12. Review status: no assertion criteria provided. Collection method: clinical testing. Allele origin: germline. Not counted in ClinVar's aggregate classification.
Comment: This variant is classified as benign based on ACMG/AMP sequence variant interpretation guidelines (Richards et al. 2015 PMID: 25741868, with internal and published modifications).

Mayo Clinic Laboratories, Mayo Clinic
Classification: Benign. Last evaluated: 2017-09-27. Review status: no assertion criteria provided. Collection method: clinical testing. Allele origin: unknown. Not counted in ClinVar's aggregate classification.